The following is an entry in ClinVar:

NM_080680.3(COL11A2):c.1284+6G>A

Gene: COL11A2 (collagen type XI alpha 2 chain; minus strand). Cytogenetic location: 6p21.32.
Variant type: single nucleotide variant.
Coding change: c.1284+6G>A on transcript NM_080680.3 (MANE Select); 6 bases into the intron after coding-DNA position 1284, G replaced by A.
Molecular consequence: intron variant.
Genome position (GRCh38, 1-based): chr6:33,180,662, C>T on the plus strand (G>A on the coding strand, the complement: COL11A2 is on the minus strand). VCF-style: chr6-33180662-C-T. GRCh37 (hg19) VCF-style: chr6-33148439-C-T.
Other names: c.963+6G>A (NM_080679.3); c.1026+6G>A (NM_080681.3).
Identifiers: ClinVar variation 1488380 (VCV001488380.5), dbSNP rs763765791, ClinGen allele CA3751406.
Genomic context (GRCh38, chr6:33,180,662, plus strand): 5'-AGCCCCCCGCTTGGATACCACTAGCTCCCCCGAAGCTCCCCCGTCACATGGAGGACACCC[C>T]CTTACCCTCTCTCCAGGGTCTCCAACTGGGCCTGGGTTCCCCTGGATGCCAGGGGGACCA-3'

ClinVar aggregate classification (germline): Uncertain significance (1 of 4 stars; one submission).

Allele frequency attached by ClinVar (database versions not stated): gnomAD exomes below 0.00001 and 0.00001; TOPMed below 0.00001; gnomAD 0.00001; ExAC 0.00002.
gnomAD v4.1: 6 of 1,604,396 alleles (0.00037%); highest among the groups gnomAD compares: South Asian, 0.0022%; no homozygotes.

Submission:

Labcorp Genetics (formerly Invitae), Labcorp
Classification: Uncertain significance. Last evaluated: 2024-02-24. Review status: criteria provided, single submitter. Criteria: Invitae Variant Classification Sherloc (09022015). Collection method: clinical testing. Allele origin: germline.
Comment: This sequence change falls in intron 11 of the COL11A2 gene. It does not directly change the encoded amino acid sequence of the COL11A2 protein. It affects a nucleotide within the consensus splice site. The frequency data for this variant in the population databases is considered unreliable, as metrics indicate poor data quality at this position in the gnomAD database. This variant has not been reported in the literature in individuals affected with COL11A2-related conditions. ClinVar contains an entry for this variant (Variation ID: 1488380). Variants that disrupt the consensus splice site are a relatively common cause of aberrant splicing (PMID: 17576681, 9536098). Algorithms developed to predict the effect of sequence changes on RNA splicing suggest that this variant is not likely to affect RNA splicing. In summary, the available evidence is currently insufficient to determine the role of this variant in disease. Therefore, it has been classified as a Variant of Uncertain Significance.

Literature cited by the submitters: PubMed 17576681; PubMed 9536098.